The following is an entry in ClinVar:

ClinVar aggregate classification (germline): Likely pathogenic. Review status: criteria provided, multiple submitters, no conflicts (2 of 4 stars). 2 submissions from 2 submitters: Likely pathogenic (2). Last evaluated 2025-09-02.

Conditions:
Diabetes insipidus, nephrogenic, X-linked. Also called: Nephrogenic Diabetes Insipidus, Type I. Identifiers: Orphanet 223, MedGen C1563705, MONDO:0010581, OMIM 304800.

Submissions (2):

Labcorp Genetics (formerly Invitae), Labcorp
Classification: Likely pathogenic. Last evaluated: 2025-09-02. Review status: criteria provided, single submitter. Criteria: Invitae Variant Classification Sherloc (09022015). Collection method: clinical testing. Allele origin: germline.
Comment: This sequence change replaces glycine, which is neutral and non-polar, with glutamic acid, which is acidic and polar, at codon 107 of the AVPR2 protein (p.Gly107Glu). This variant is not present in population databases (gnomAD no frequency). This missense change has been observed in individuals with nephrogenic diabetes insipidus (PMID: 9402087; internal data). ClinVar contains an entry for this variant (Variation ID: 2138780). Invitae Evidence Modeling of protein sequence and biophysical properties (such as structural, functional, and spatial information, amino acid conservation, physicochemical variation, residue mobility, and thermodynamic stability) indicates that this missense variant is expected to disrupt AVPR2 protein function with a positive predictive value of 80%. This variant disrupts the p.Gly107 amino acid residue in AVPR2. Other variant(s) that disrupt this residue have been determined to be pathogenic (PMID: 21917732, 24790307). This suggests that this residue is clinically significant, and that variants that disrupt this residue are likely to be disease-causing. In summary, the currently available evidence indicates that the variant is pathogenic, but additional data are needed to prove that conclusively. Therefore, this variant has been classified as Likely Pathogenic.

Pediatrics, West China Second University Hospital, Sichuan University
Classification: Likely pathogenic for Diabetes insipidus, nephrogenic, X-linked. Last evaluated: 2025-08-20. Review status: criteria provided, single submitter. Criteria: ACMG Guidelines, 2015. Collection method: clinical testing. Allele origin: germline. Affected: yes.
Comment: The NM_000054.7, c.320G>A, is a missense variant in AVPR2 which is predicted to result in a substitution from Glycine to Glutamic at position 320. This variant was found in a proband with diabetes insipidus, nephrogenic, which is a highly specific phenotype for nephrogenic diabetes insipidus (PP4). This variant located in the Hot-spot of length 17 amino-acids which had 18 missense/in-frame variants (11 pathogenic variants, 4 uncertain variants, and 3 benign variants), which qualified as moderate pathogenic (PM1_moderate). A alternative variant chrX:153905825 G⇒C (Gly107Arg) was classified Likely Pathogenic by the VarSome community [PMID:21917732] (PM5_moderate). The variant is absent from the gnomAD population database or extreme low frequency (PM2_Supporting), and multiple in silico prediction tools suggest a deleterious effect on protein function (PP3). In summary, this variant meets criteria to be classified as likely pathogenic for diabetes insipidus, nephrogenic based on the ACMG/AMP criteria applied with the evidence: PM1_moderate, PM5_moderate, PM2_Supporting, PP3.

Literature cited by the submitters: PubMed 9402087 (cited by Labcorp Genetics (formerly Invitae), Labcorp); PubMed 21917732 (cited by Labcorp Genetics (formerly Invitae), Labcorp); PubMed 24790307 (cited by Labcorp Genetics (formerly Invitae), Labcorp).

NM_000054.7(AVPR2):c.320G>A (p.Gly107Glu)

Gene: AVPR2 (arginine vasopressin receptor 2; plus strand). Cytogenetic location: Xq28.
Variant type: single nucleotide variant.
Coding change: c.320G>A on transcript NM_000054.7 (MANE Select); coding-DNA position 320, G replaced by A.
Protein change: p.Gly107Glu; replaces glycine 107 with glutamic acid.
Molecular consequence: missense variant.
Genome position (GRCh38, 1-based): chrX:153,905,826, G>A. VCF-style: chrX-153905826-G-A. GRCh37 (hg19) VCF-style: chrX-153171280-G-A.
Other names: c.320G>A, p.Gly107Glu (NM_001146151.3); short protein forms G107E.
Identifiers: ClinVar variation 2138780 (VCV002138780.5), dbSNP rs2521153564, ClinGen allele CA415105085.